The following is an entry in ClinVar:

NM_172245.4(CSF2RA):c.414G>T (p.Trp138Cys)

Gene: CSF2RA (colony stimulating factor 2 receptor subunit alpha; plus strand). Cytogenetic location: Xp22.33.
Variant type: single nucleotide variant.
Coding change: c.414G>T on transcript NM_172245.4 (MANE Select); coding-DNA position 414, G replaced by T.
Protein change: p.Trp138Cys; replaces tryptophan 138 with cysteine.
Molecular consequence: missense variant. On other transcripts: non-coding transcript variant (1).
Genome position (GRCh38, 1-based): chrX:1,288,829, G>T. VCF-style: chrX-1288829-G-T. GRCh37 (hg19) VCF-style: chrX-1407722-G-T.
Other names: c.414G>T, p.Trp138Cys (NM_001161529.2, NM_001161530.2, NM_001161531.2 and 21 more transcripts); c.15G>T, p.Trp5Cys (NM_001161532.2); short protein forms W138C, W5C.
Identifiers: ClinVar variation 1717183 (VCV001717183.3), dbSNP rs2091060104, ClinGen allele CA412235346.

ClinVar aggregate classification (germline): Uncertain significance (1 of 4 stars; one submission).

Conditions:
Surfactant metabolism dysfunction, pulmonary, 4 (SMDP4). Also called: PAP DUE TO CSF2RA DEFICIENCY; PULMONARY ALVEOLAR PROTEINOSIS, CONGENITAL, 4; CSF2RA DEFICIENCY. Identifiers: Orphanet 264675, MedGen C2677877, MONDO:0010424, OMIM 300770.

Submission:

Labcorp Genetics (formerly Invitae), Labcorp
Classification: Uncertain significance for Surfactant metabolism dysfunction, pulmonary, 4. Last evaluated: 2022-08-20. Review status: criteria provided, single submitter. Criteria: Invitae Variant Classification Sherloc (09022015). Collection method: clinical testing. Allele origin: germline.
Comment: This sequence change replaces tryptophan, which is neutral and slightly polar, with cysteine, which is neutral and slightly polar, at codon 138 of the CSF2RA protein (p.Trp138Cys). This variant is not present in population databases (gnomAD no frequency). This variant has not been reported in the literature in individuals affected with CSF2RA-related conditions. Algorithms developed to predict the effect of missense changes on protein structure and function (SIFT, PolyPhen-2, Align-GVGD) all suggest that this variant is likely to be disruptive. In summary, the available evidence is currently insufficient to determine the role of this variant in disease. Therefore, it has been classified as a Variant of Uncertain Significance.